The following is an entry in ClinVar:

NC_000009.12:g.70810066A>G

Genes: MIR204 (microRNA 204; minus strand), TRPM3 (transient receptor potential cation channel subfamily M member 3; minus strand). Cytogenetic location: 9q21.12.
Variant type: single nucleotide variant.
Molecular consequence: intron variant (on NM_001366145.2). On other transcripts: non-coding transcript variant (1).
Genome position: GRCh38 VCF-style: chr9-70810066-A-G. GRCh37 (hg19) VCF-style: chr9-73424982-A-G.
Other names: c.979+17781T>C (NM_001366143.2, NM_001366141.2, NM_001366142.2 and 1 more transcripts); c.973+17781T>C (NM_001366150.2, NM_001366151.2, NM_001007471.4 and 4 more transcripts); c.1048+1104T>C (NM_001366148.2, NM_001366152.2, NM_001366147.2); c.514+17781T>C (NM_206944.5, NM_020952.6, NM_206945.5 and 3 more transcripts); c.589+1104T>C (NM_206947.5, NM_206946.5, NM_001007470.3).
Identifiers: ClinVar variation 1521770 (VCV001521770.6), dbSNP rs921908869, ClinGen allele CA193471822.

ClinVar aggregate classification (germline): Uncertain significance (1 of 4 stars; one submission).

Allele frequency attached by ClinVar (database versions not stated): gnomAD 0.00002; TOPMed 0.00005.
gnomAD v4.1: 10 of 534,500 alleles (0.0019%); highest among the groups gnomAD compares: Middle Eastern, 0.032%; no homozygotes.

Submission:

Labcorp Genetics (formerly Invitae), Labcorp
Classification: Uncertain significance. Last evaluated: 2022-09-07. Review status: criteria provided, single submitter. Criteria: Invitae Variant Classification Sherloc (09022015). Collection method: clinical testing. Allele origin: germline.
Comment: In summary, the available evidence is currently insufficient to determine the role of this variant in disease. Therefore, it has been classified as a Variant of Uncertain Significance. Experimental studies and prediction algorithms are not available or were not evaluated, and the functional significance of this variant is currently unknown. ClinVar contains an entry for this variant (Variation ID: 1521770). This variant has not been reported in the literature in individuals affected with MIR204-related conditions. This variant is present in population databases (no rsID available, gnomAD 0.003%). This variant occurs in the MIR204 gene, which encodes an RNA molecule that does not result in a protein product.